The following is an entry in ClinVar:

ClinVar aggregate classification (germline): Uncertain significance. Review status: criteria provided, multiple submitters, no conflicts (2 of 4 stars). 2 submissions from 2 submitters: Uncertain significance (2). Last evaluated 2025-06-06.

Conditions:
Inborn genetic diseases. Identifiers: MedGen C0950123, MeSH D030342.

Submissions (2):

Ambry Genetics
Classification: Uncertain significance for Inborn genetic diseases. Last evaluated: 2025-06-06. Review status: criteria provided, single submitter. Criteria: Ambry Variant Classification Scheme 2023. Collection method: clinical testing. Allele origin: germline.

Labcorp Genetics (formerly Invitae), Labcorp
Classification: Uncertain significance. Last evaluated: 2024-09-04. Review status: criteria provided, single submitter. Criteria: Invitae Variant Classification Sherloc (09022015). Collection method: clinical testing. Allele origin: germline.
Comment: This sequence change replaces arginine, which is basic and polar, with cysteine, which is neutral and slightly polar, at codon 86 of the GATA3 protein (p.Arg86Cys). This variant is not present in population databases (gnomAD no frequency). This variant has not been reported in the literature in individuals affected with GATA3-related conditions. Invitae Evidence Modeling of protein sequence and biophysical properties (such as structural, functional, and spatial information, amino acid conservation, physicochemical variation, residue mobility, and thermodynamic stability) indicates that this missense variant is expected to disrupt GATA3 protein function with a positive predictive value of 80%. In summary, the available evidence is currently insufficient to determine the role of this variant in disease. Therefore, it has been classified as a Variant of Uncertain Significance.

NM_001002295.2(GATA3):c.256C>T (p.Arg86Cys)

Gene: GATA3 (GATA binding protein 3; plus strand). Cytogenetic location: 10p14.
Variant type: single nucleotide variant.
Coding change: c.256C>T on transcript NM_001002295.2 (MANE Select); coding-DNA position 256, C replaced by T.
Protein change: p.Arg86Cys; replaces arginine 86 with cysteine.
Molecular consequence: missense variant.
Genome position (GRCh38, 1-based): chr10:8,058,319, C>T. VCF-style: chr10-8058319-C-T. GRCh37 (hg19) VCF-style: chr10-8100282-C-T.
Other names: c.256C>T (NM_001002295.1); c.256C>T, p.Arg86Cys (NM_002051.3); short protein forms R86C.
Identifiers: ClinVar variation 3689472 (VCV003689472.3).